The following is an entry in ClinVar:

NM_007294.4(BRCA1):c.3910G>C (p.Glu1304Gln)

Genes: BRCA1 (BRCA1 DNA repair associated; minus strand), LOC126862571 (BRD4-independent group 4 enhancer GRCh37_chr17:41243136-41244335; plus strand). Cytogenetic location: 17q21.31.
Variant type: single nucleotide variant.
Coding change: c.3910G>C on transcript NM_007294.4 (MANE Select); coding-DNA position 3910, G replaced by C.
Protein change: p.Glu1304Gln; replaces glutamic acid 1304 with glutamine.
Molecular consequence: missense variant. On other transcripts: intron variant (135).
Genome position (GRCh38, 1-based): chr17:43,091,621, C>G on the plus strand (G>C on the coding strand, the complement: BRCA1 is on the minus strand). VCF-style: chr17-43091621-C-G. GRCh37 (hg19) VCF-style: chr17-41243638-C-G.
Other names: c.3526G>C, p.Glu1176Gln (NM_001407962.1); c.3910G>C, p.Glu1304Gln (NM_001407593.1, NM_001407594.1, NM_001407596.1 and 30 more transcripts); c.3529G>C, p.Glu1177Gln (NM_001407963.1, NM_001407959.1, NM_001407960.1); c.3766G>C, p.Glu1256Gln (NM_001407964.1, NM_001407943.1, NM_001407740.1 and 20 more transcripts); c.3406G>C, p.Glu1136Gln (NM_001407965.1); c.3907G>C, p.Glu1303Gln (NM_001407610.1, NM_001407587.1, NM_001407590.1 and 22 more transcripts); c.1306G>C, p.Glu436Gln (NM_001407968.1, NM_001407969.1); c.3022G>C, p.Glu1008Gln (NM_001407966.1, NM_001407967.1); and 41 more; short protein forms E1136Q, E1216Q, E1262Q, E1008Q, E1176Q, E1233Q, E1237Q, E1256Q.
Identifiers: ClinVar variation 2774844 (VCV002774844.3), dbSNP rs886038028, ClinGen allele CA10594143.

ClinVar aggregate classification (germline): Uncertain significance. Review status: criteria provided, multiple submitters, no conflicts (2 of 4 stars). 2 submissions from 2 submitters: Uncertain significance (2). Last evaluated 2024-01-24.

Conditions:
Hereditary cancer-predisposing syndrome. Also called: Neoplastic Syndromes, Hereditary; Tumor predisposition; Hereditary Cancer Syndrome; Hereditary neoplastic syndrome. Identifiers: Orphanet 140162, MedGen C0027672, MeSH D009386, MONDO:0015356.

Allele frequency attached by ClinVar (database versions not stated): gnomAD exomes below 0.00001.
gnomAD v4.1: 3 of 1,614,178 alleles (0.00019%); highest among the groups gnomAD compares: Non-Finnish European, 0.00025%; no homozygotes.

Submissions (2):

Women's Health and Genetics/Laboratory Corporation of America, LabCorp
Classification: Uncertain significance. Last evaluated: 2024-01-24. Review status: criteria provided, single submitter. Criteria: LabCorp Variant Classification Summary - May 2015. Collection method: clinical testing. Allele origin: germline.
Comment: Variant summary: BRCA1 c.3910G>C (p.Glu1304Gln) results in a conservative amino acid change in the encoded protein sequence. Five of five in-silico tools predict a benign effect of the variant on protein function. The variant was absent in 251170 control chromosomes. The available data on variant occurrences in the general population are insufficient to allow any conclusion about variant significance. To our knowledge, no occurrence of c.3910G>C in individuals affected with Hereditary Breast And Ovarian Cancer Syndrome and no experimental evidence demonstrating its impact on protein function have been reported. No submitters have cited clinical-significance assessments for this variant to ClinVar. Based on the evidence outlined above, the variant was classified as uncertain significance.

Color Diagnostics, LLC DBA Color Health
Classification: Uncertain significance for Hereditary cancer-predisposing syndrome. Last evaluated: 2021-09-07. Review status: criteria provided, single submitter. Criteria: ACMG Guidelines, 2015. Collection method: clinical testing. Allele origin: germline.
Comment: This missense variant replaces glutamic acid with glutamine at codon 1304 of the BRCA1 protein. Computational prediction suggests that this variant may not impact protein structure and function (internally defined REVEL score threshold <= 0.5, PMID: 27666373). To our knowledge, functional studies have not been reported for this variant. This variant has not been reported in individuals affected with hereditary cancer in the literature. This variant has not been identified in the general population by the Genome Aggregation Database (gnomAD). The available evidence is insufficient to determine the role of this variant in disease conclusively. Therefore, this variant is classified as a Variant of Uncertain Significance.